The following is an entry in ClinVar:

ClinVar aggregate classification (germline): Uncertain significance (1 of 4 stars; one submission).

Conditions:
Hereditary cancer-predisposing syndrome. Also called: Neoplastic Syndromes, Hereditary; Tumor predisposition; Hereditary neoplastic syndrome; Hereditary Cancer Syndrome. Identifiers: Orphanet 140162, MedGen C0027672, MeSH D009386, MONDO:0015356.

Submission:

Ambry Genetics
Classification: Uncertain significance for Hereditary cancer-predisposing syndrome. Last evaluated: 2026-06-16. Review status: criteria provided, single submitter. Criteria: Ambry Variant Classification Scheme 2023. Collection method: clinical testing. Allele origin: germline.
Comment: The p.P645T variant (also known as c.1933C>A), located in coding exon 12 of the CDH1 gene, results from a C to A substitution at nucleotide position 1933. The proline at codon 645 is replaced by threonine, an amino acid with highly similar properties. This amino acid position is conserved. In addition, this alteration is predicted to be tolerated by in silico analysis. Based on the available evidence, the clinical significance of this variant remains unclear.

NM_004360.5(CDH1):c.1933C>A (p.Pro645Thr)

Gene: CDH1 (cadherin 1; plus strand). Cytogenetic location: 16q22.1.
Variant type: single nucleotide variant.
Coding change: c.1933C>A on transcript NM_004360.5 (MANE Select); coding-DNA position 1933, C replaced by A.
Protein change: p.Pro645Thr; replaces proline 645 with threonine.
Molecular consequence: missense variant. On other transcripts: 5 prime UTR variant (1).
Genome position (GRCh38, 1-based): chr16:68,822,222, C>A. VCF-style: chr16-68822222-C-A. GRCh37 (hg19) VCF-style: chr16-68856125-C-A.
Other names: c.1750C>A, p.Pro584Thr (NM_001317184.2); c.385C>A, p.Pro129Thr (NM_001317185.2); c.-33C>A (NM_001317186.2); short protein forms P129T, P584T, P645T.
Identifiers: ClinVar variation 5033870 (VCV005033870.1).